The following is an entry in ClinVar:

NM_001122752.2(SERPINI1):c.31G>A (p.Val11Ile)

Gene: SERPINI1 (serpin family I member 1; plus strand). Cytogenetic location: 3q26.1.
Variant type: single nucleotide variant.
Coding change: c.31G>A on transcript NM_001122752.2 (MANE Select); coding-DNA position 31, G replaced by A.
Protein change: p.Val11Ile; replaces valine 11 with isoleucine.
Molecular consequence: missense variant.
Genome position (GRCh38, 1-based): chr3:167,789,159, G>A. VCF-style: chr3-167789159-G-A. GRCh37 (hg19) VCF-style: chr3-167506947-G-A.
Other names: c.31G>A, p.Val11Ile (NM_005025.5); short protein forms V11I.
Identifiers: ClinVar variation 1481037 (VCV001481037.8), dbSNP rs2108556179, ClinGen allele CA355155395.

ClinVar aggregate classification (germline): Uncertain significance (1 of 4 stars; one submission).

Conditions:
Familial encephalopathy with neuroserpin inclusion bodies. Also called: ENCEPHALOPATHY, FAMILIAL, WITH COLLINS BODIES. Identifiers: Orphanet 85110, MedGen C1858680, MONDO:0011412, OMIM 604218.

Submission:

Labcorp Genetics (formerly Invitae), Labcorp
Classification: Uncertain significance for Familial encephalopathy with neuroserpin inclusion bodies. Last evaluated: 2024-09-08. Review status: criteria provided, single submitter. Criteria: Invitae Variant Classification Sherloc (09022015). Collection method: clinical testing. Allele origin: germline.
Comment: This sequence change replaces valine, which is neutral and non-polar, with isoleucine, which is neutral and non-polar, at codon 11 of the SERPINI1 protein (p.Val11Ile). This variant is not present in population databases (gnomAD no frequency). This variant has not been reported in the literature in individuals affected with SERPINI1-related conditions. ClinVar contains an entry for this variant (Variation ID: 1481037). Invitae Evidence Modeling of protein sequence and biophysical properties (such as structural, functional, and spatial information, amino acid conservation, physicochemical variation, residue mobility, and thermodynamic stability) indicates that this missense variant is not expected to disrupt SERPINI1 protein function with a negative predictive value of 95%. In summary, the available evidence is currently insufficient to determine the role of this variant in disease. Therefore, it has been classified as a Variant of Uncertain Significance.